The following is an entry in ClinVar:

NM_000465.4(BARD1):c.541G>T (p.Glu181Ter)

Gene: BARD1 (BRCA1 associated RING domain 1; minus strand). Cytogenetic location: 2q35.
Variant type: single nucleotide variant.
Coding change: c.541G>T on transcript NM_000465.4 (MANE Select); coding-DNA position 541, G replaced by T.
Protein change: p.Glu181Ter; replaces glutamic acid 181 with a stop codon.
Molecular consequence: nonsense. On other transcripts: non-coding transcript variant (2), intron variant (3).
Genome position (GRCh38, 1-based): chr2:214,781,333, C>A on the plus strand (G>T on the coding strand, the complement: BARD1 is on the minus strand). VCF-style: chr2-214781333-C-A. GRCh37 (hg19) VCF-style: chr2-215646057-C-A.
Other names: c.484G>T, p.Glu162Ter (NM_001282543.2); c.158+28079G>T (NM_001282548.2); c.215+15728G>T (NM_001282545.2); c.364+10964G>T (NM_001282549.2); short protein forms E181*, E162*.
Identifiers: ClinVar variation 2841230 (VCV002841230.5), dbSNP rs1695019560, ClinGen allele CA350457425.

ClinVar aggregate classification (germline): Pathogenic/Likely pathogenic. Review status: criteria provided, multiple submitters, no conflicts (2 of 4 stars). 2 submissions from 2 submitters: Pathogenic (1); Likely pathogenic (1). Last evaluated 2023-02-27.

Conditions:
Familial cancer of breast. Also called: BREAST CANCER, FAMILIAL; Hereditary breast cancer; hereditary breast carcinoma. Identifiers: Orphanet 227535, MedGen C0346153, MONDO:0016419, OMIM 114480. Disease mechanism: loss of function.

Submissions (2):

Labcorp Genetics (formerly Invitae), Labcorp
Classification: Pathogenic for Familial cancer of breast. Last evaluated: 2023-02-27. Review status: criteria provided, single submitter. Criteria: Invitae Variant Classification Sherloc (09022015). Collection method: clinical testing. Allele origin: germline.
Comment: This sequence change creates a premature translational stop signal (p.Glu181*) in the BARD1 gene. It is expected to result in an absent or disrupted protein product. Loss-of-function variants in BARD1 are known to be pathogenic (PMID: 20077502, 21344236). This variant is not present in population databases (gnomAD no frequency). This variant has not been reported in the literature in individuals affected with BARD1-related conditions. For these reasons, this variant has been classified as Pathogenic.

Juno Genomics, Hangzhou Juno Genomics, Inc
Classification: Likely pathogenic for Familial cancer of breast. Review status: criteria provided, single submitter. Criteria: ACMG Guidelines, 2015. Collection method: clinical testing. Allele origin: germline.
Comment: Null variant in a gene where loss of function (LOF) is a known mechanism of disease.;Absent from controls (or at extremely low frequency if recessive) in Genome Aggregation Database.

Literature cited by the submitters: PubMed 20077502 (cited by Labcorp Genetics (formerly Invitae), Labcorp); PubMed 21344236 (cited by Labcorp Genetics (formerly Invitae), Labcorp).